The following is an entry in ClinVar:

NM_022765.4(MICAL1):c.2497C>T (p.Pro833Ser)

Gene: MICAL1 (microtubule associated monooxygenase, calponin and LIM domain containing 1; minus strand). Cytogenetic location: 6q21.
Variant type: single nucleotide variant.
Coding change: c.2497C>T on transcript NM_022765.4 (MANE Select); coding-DNA position 2497, C replaced by T.
Protein change: p.Pro833Ser; replaces proline 833 with serine.
Molecular consequence: missense variant.
Genome position (GRCh38, 1-based): chr6:109,446,220, G>A on the plus strand (C>T on the coding strand, the complement: MICAL1 is on the minus strand). VCF-style: chr6-109446220-G-A. GRCh37 (hg19) VCF-style: chr6-109767423-G-A.
Other names: c.2239C>T, p.Pro747Ser (NM_001159291.2); c.2554C>T, p.Pro852Ser (NM_001286613.2); short protein forms P833S, P747S, P852S.
Identifiers: ClinVar variation 2026782 (VCV002026782.4), dbSNP rs2482774424, ClinGen allele CA365223346.

ClinVar aggregate classification (germline): Uncertain significance (1 of 4 stars; one submission).

Submission:

Labcorp Genetics (formerly Invitae), Labcorp
Classification: Uncertain significance. Last evaluated: 2022-09-24. Review status: criteria provided, single submitter. Criteria: Invitae Variant Classification Sherloc (09022015). Collection method: clinical testing. Allele origin: germline.
Comment: This variant has not been reported in the literature in individuals affected with MICAL1-related conditions. Algorithms developed to predict the effect of missense changes on protein structure and function are either unavailable or do not agree on the potential impact of this missense change (SIFT: "Deleterious"; PolyPhen-2: "Probably Damaging"; Align-GVGD: "Class C0"). In summary, the available evidence is currently insufficient to determine the role of this variant in disease. Therefore, it has been classified as a Variant of Uncertain Significance. This variant is not present in population databases (gnomAD no frequency). This sequence change replaces proline, which is neutral and non-polar, with serine, which is neutral and polar, at codon 852 of the MICAL1 protein (p.Pro852Ser).